The following is an entry in ClinVar:

NM_145178.4(ATOH7):c.53C>A (p.Pro18Gln)

Genes: ATOH7 (atonal bHLH transcription factor 7; minus strand), LOC130003943 (ATAC-STARR-seq lymphoblastoid silent region 2418; plus strand). Cytogenetic location: 10q21.3.
Variant type: single nucleotide variant.
Coding change: c.53C>A on transcript NM_145178.4 (MANE Select); coding-DNA position 53, C replaced by A.
Protein change: p.Pro18Gln; replaces proline 18 with glutamine.
Molecular consequence: missense variant.
Genome position (GRCh38, 1-based): chr10:68,231,625, G>T on the plus strand (C>A on the coding strand, the complement: ATOH7 is on the minus strand). VCF-style: chr10-68231625-G-T. GRCh37 (hg19) VCF-style: chr10-69991382-G-T.
Other names: short protein forms P18Q.
Identifiers: ClinVar variation 1418004 (VCV001418004.8), dbSNP rs2134380823, ClinGen allele CA376837761.

ClinVar aggregate classification (germline): Uncertain significance (1 of 4 stars; one submission).

Submission:

Labcorp Genetics (formerly Invitae), Labcorp
Classification: Uncertain significance. Last evaluated: 2022-07-11. Review status: criteria provided, single submitter. Criteria: Invitae Variant Classification Sherloc (09022015). Collection method: clinical testing. Allele origin: germline.
Comment: In summary, the available evidence is currently insufficient to determine the role of this variant in disease. Therefore, it has been classified as a Variant of Uncertain Significance. Algorithms developed to predict the effect of missense changes on protein structure and function output the following: SIFT: "Tolerated"; PolyPhen-2: "Benign"; Align-GVGD: "Class C0". The glutamine amino acid residue is found in multiple mammalian species, which suggests that this missense change does not adversely affect protein function. ClinVar contains an entry for this variant (Variation ID: 1418004). This variant has not been reported in the literature in individuals affected with ATOH7-related conditions. This variant is not present in population databases (gnomAD no frequency). This sequence change replaces proline, which is neutral and non-polar, with glutamine, which is neutral and polar, at codon 18 of the ATOH7 protein (p.Pro18Gln).